The following is an entry in ClinVar:

NM_000834.5(GRIN2B):c.1126-1G>T

Gene: GRIN2B (glutamate ionotropic receptor NMDA type subunit 2B; minus strand). Cytogenetic location: 12p13.1.
Variant type: single nucleotide variant.
Coding change: c.1126-1G>T on transcript NM_000834.5 (MANE Select); the canonical splice acceptor site of the intron before coding-DNA position 1126, G replaced by T.
Molecular consequence: splice acceptor variant.
Genome position (GRCh38, 1-based): chr12:13,616,658, C>A on the plus strand (G>T on the coding strand, the complement: GRIN2B is on the minus strand). VCF-style: chr12-13616658-C-A. GRCh37 (hg19) VCF-style: chr12-13769592-C-A.
Other names: c.1126-1G>T (NM_001413992.1).
Identifiers: ClinVar variation 3062173 (VCV003062173.2), dbSNP rs2497602992, ClinGen allele CA384052909.

ClinVar aggregate classification (germline): Likely pathogenic (1 of 4 stars; one submission).

Submission:

Centre of Medical Genetics, University Hospital Muenster
Classification: Likely pathogenic. Last evaluated: 2023-12-06. Review status: criteria provided, single submitter. Criteria: ACMG Guidelines, 2015. Collection method: clinical testing. Allele origin: unknown. Affected: yes. Observed: 1 variant allele, 1 heterozygote.
Comment: ACMG categories: PVS1,PM2